The following is an entry in ClinVar:

NM_016247.4(IMPG2):c.1465G>T (p.Val489Phe)

Gene: IMPG2 (interphotoreceptor matrix proteoglycan 2; minus strand). Cytogenetic location: 3q12.3.
Variant type: single nucleotide variant.
Coding change: c.1465G>T on transcript NM_016247.4 (MANE Select); coding-DNA position 1465, G replaced by T.
Protein change: p.Val489Phe; replaces valine 489 with phenylalanine.
Molecular consequence: missense variant.
Genome position (GRCh38, 1-based): chr3:101,245,880, C>A on the plus strand (G>T on the coding strand, the complement: IMPG2 is on the minus strand). VCF-style: chr3-101245880-C-A. GRCh37 (hg19) VCF-style: chr3-100964724-C-A.
Other names: short protein forms V489F.
Identifiers: ClinVar variation 1054687 (VCV001054687.10), dbSNP rs1206563742, ClinGen allele CA353862308.
Genomic context (GRCh38, chr3:101,245,880, plus strand): 5'-ATCCAGAAGTCCTTTCCTCAGAAGCCACAGGCAAGCCAGTCTGAAGCACTGCCGGGGTGA[C>A]AGAATGAAGAGTCAAGCTGCTAACCTCTAAAACCTCTGGGGAAGAGCTGAGGCCCATCTT-3'
Protein context (NP_057331.2, residues 479-499): LEVSSLTLHS[Val489Phe]TPAVLQTGLP

ClinVar aggregate classification (germline): Uncertain significance (1 of 4 stars; one submission).

Submission:

Labcorp Genetics (formerly Invitae), Labcorp
Classification: Uncertain significance. Last evaluated: 2022-02-09. Review status: criteria provided, single submitter. Criteria: Invitae Variant Classification Sherloc (09022015). Collection method: clinical testing. Allele origin: germline.
Comment: In summary, the available evidence is currently insufficient to determine the role of this variant in disease. Therefore, it has been classified as a Variant of Uncertain Significance. Algorithms developed to predict the effect of missense changes on protein structure and function are either unavailable or do not agree on the potential impact of this missense change (SIFT: "Deleterious"; PolyPhen-2: "Benign"; Align-GVGD: "Class C0"). ClinVar contains an entry for this variant (Variation ID: 1054687). This variant has not been reported in the literature in individuals affected with IMPG2-related conditions. This variant is not present in population databases (gnomAD no frequency). This sequence change replaces valine, which is neutral and non-polar, with phenylalanine, which is neutral and non-polar, at codon 489 of the IMPG2 protein (p.Val489Phe).